The following is an entry in ClinVar:

NM_201384.3(PLEC):c.9354G>T (p.Gln3118His)

Gene: PLEC (plectin; minus strand). Cytogenetic location: 8q24.3.
Variant type: single nucleotide variant.
Coding change: c.9354G>T on transcript NM_201384.3 (MANE Select); coding-DNA position 9354, G replaced by T.
Protein change: p.Gln3118His; replaces glutamine 3118 with histidine.
Molecular consequence: missense variant.
Genome position (GRCh38, 1-based): chr8:143,920,467, C>A on the plus strand (G>T on the coding strand, the complement: PLEC is on the minus strand). VCF-style: chr8-143920467-C-A. GRCh37 (hg19) VCF-style: chr8-144994635-C-A.
Other names: c.9435G>T, p.Gln3145His (NM_000445.5); c.6054G>T, p.Gln2018His (NM_001410941.1); c.9312G>T, p.Gln3104His (NM_201378.4); c.9288G>T, p.Gln3096His (NM_201379.3); c.9765G>T, p.Gln3255His (NM_201380.4); c.9258G>T, p.Gln3086His (NM_201381.3); c.9354G>T, p.Gln3118His (NM_201382.4); c.9366G>T, p.Gln3122His (NM_201383.3); short protein forms Q2018H, Q3096H, Q3118H, Q3145H, Q3086H, Q3104H, Q3122H, Q3255H.
Identifiers: ClinVar variation 4782805 (VCV004782805.1).
Genomic context (GRCh38, chr8:143,920,467, plus strand): 5'-CAGCTGGGCGTCCAACAGGCGCAGGCCCTGCTCCCGGGGAATGAGGCCCTTCTTCAGGGC[C>A]TGGAACAGGGAGACGCTCTGCCCTGTGTAGGGGTCCCTGTACCCTGTCACAGCCTTCTCG-3'
Protein context (NP_958786.1, residues 3108-3128): PYTGQSVSLF[Gln3118His]ALKKGLIPRE

ClinVar aggregate classification (germline): Uncertain significance (1 of 4 stars; one submission).

Conditions:
Epidermolysis bullosa simplex with nail dystrophy (EBS5D). Identifiers: MedGen C4225309, MONDO:0014661, OMIM 616487.
Epidermolysis bullosa simplex, Ogna type (EBS5A). Also called: Pidermolysis bullosa simplex 5A, Ogna type; EPIDERMOLYSIS BULLOSA SIMPLEX 5A, OGNA TYPE. Identifiers: Orphanet 79401, MedGen C0432317, MONDO:0007555, OMIM 131950.
Epidermolysis bullosa simplex 5B, with muscular dystrophy (EBS5B). Also called: Epidermolysis bullosa simplex with muscular dystrophy; EPIDERMOLYSIS BULLOSA SIMPLEX AND LIMB-GIRDLE MUSCULAR DYSTROPHY. Identifiers: Orphanet 257, MedGen C2931072, MONDO:0009181, OMIM 226670.
Autosomal recessive limb-girdle muscular dystrophy type 2Q (LGMDR17). Also called: MUSCULAR DYSTROPHY, LIMB-GIRDLE, AUTOSOMAL RECESSIVE 17. Identifiers: Orphanet 254361, MedGen C3150989, MONDO:0013390, OMIM 613723.
Epidermolysis bullosa simplex 5C, with pyloric atresia (EBS5C). Also called: PLEC-Related Epidermolysis Bullosa with Pyloric Atresia; Epidermolysis bullosa simplex with pyloric atresia; PLEC1-Related Epidermolysis Bullosa with Pyloric Atresia. Identifiers: Orphanet 158684, MedGen C2677349, MONDO:0012807, OMIM 612138.

gnomAD v4.1: 2 of 1,603,798 alleles (0.00012%); highest among the groups gnomAD compares: Non-Finnish European, 0.00017%; no homozygotes.

Submission:

Labcorp Genetics (formerly Invitae), Labcorp
Classification: Uncertain significance for Autosomal recessive limb-girdle muscular dystrophy type 2Q; Epidermolysis bullosa simplex, Ogna type; Epidermolysis bullosa simplex with nail dystrophy; Epidermolysis bullosa simplex 5C, with pyloric atresia; Epidermolysis bullosa simplex 5B, with muscular dystrophy. Last evaluated: 2025-12-19. Review status: criteria provided, single submitter. Criteria: Invitae Variant Classification Sherloc (09022015). Collection method: clinical testing. Allele origin: germline.
Comment: This sequence change replaces glutamine, which is neutral and polar, with histidine, which is basic and polar, at codon 3145 of the PLEC protein (p.Gln3145His). This variant is not present in population databases (gnomAD no frequency). This variant has not been reported in the literature in individuals affected with PLEC-related conditions. An algorithm developed to predict the effect of missense changes on protein structure and function (PolyPhen-2) suggests that this variant is likely to be disruptive. In summary, the available evidence is currently insufficient to determine the role of this variant in disease. Therefore, it has been classified as a Variant of Uncertain Significance.